The following is an entry in ClinVar:

ClinVar aggregate classification (germline): Uncertain significance (1 of 4 stars; one submission).

gnomAD v4.1: 1 of 1,201,368 alleles (0.000083%); highest among the groups gnomAD compares: African/African-American, 0.0018%; no homozygotes.

Submission:

Women's Health and Genetics/Laboratory Corporation of America, LabCorp
Classification: Uncertain significance. Last evaluated: 2024-07-10. Review status: criteria provided, single submitter. Criteria: LabCorp Variant Classification Summary - May 2015. Collection method: clinical testing. Allele origin: germline.
Comment: Variant summary: WNK3 c.3695A>T (p.Tyr1232Phe) results in a conservative amino acid change in the encoded protein sequence. Five of five in-silico tools predict a benign effect of the variant on protein function. The variant was absent in 178181 control chromosomes. The available data on variant occurrences in the general population are insufficient to allow any conclusion about variant significance. To our knowledge, no occurrence of c.3695A>T in individuals affected with WNK3-Related Disorders and no experimental evidence demonstrating its impact on protein function have been reported. No submitters have cited clinical-significance assessments for this variant to ClinVar. Based on the evidence outlined above, the variant was classified as uncertain significance.

NM_020922.5(WNK3):c.3695A>T (p.Tyr1232Phe)

Gene: WNK3 (WNK lysine deficient protein kinase 3; minus strand). Cytogenetic location: Xp11.22.
Variant type: single nucleotide variant.
Coding change: c.3695A>T on transcript NM_020922.5 (MANE Select); coding-DNA position 3695, A replaced by T.
Protein change: p.Tyr1232Phe; replaces tyrosine 1232 with phenylalanine.
Molecular consequence: missense variant.
Genome position (GRCh38, 1-based): chrX:54,239,056, T>A on the plus strand (A>T on the coding strand, the complement: WNK3 is on the minus strand). VCF-style: chrX-54239056-T-A. GRCh37 (hg19) VCF-style: chrX-54265489-T-A.
Other names: c.3695A>T, p.Tyr1232Phe (NM_001002838.4, NM_001395166.1); short protein forms Y1232F.
Identifiers: ClinVar variation 3338990 (VCV003338990.1).
Genomic context (GRCh38, chrX:54,239,056, plus strand): 5'-CCAAAATATCCACCTCCTGTCTGCAGATGAATGGCTCCACCGCTTGACACAGCAGCAGGA[T>A]AGGCCTCTGGATCCCCTGGAAGTGAAGCATCTGAGGACATCTCCTAATGGAGACAAAACA-3'
Protein context (NP_065973.2, residues 1222-1242): DASLPGDPEA[Tyr1232Phe]PAAVSSGGAI